The following is an entry in ClinVar:

ClinVar aggregate classification (germline): Uncertain significance (1 of 4 stars; one submission).

Submission:

Ambry Genetics
Classification: Uncertain significance. Last evaluated: 2025-09-19. Review status: criteria provided, single submitter. Criteria: Ambry Variant Classification Scheme 2023. Collection method: clinical testing. Allele origin: germline.
Comment: The p.L532F variant (also known as c.1596G>C), located in coding exon 1 of the TET2 gene, results from a G to C substitution at nucleotide position 1596. The leucine at codon 532 is replaced by phenylalanine, an amino acid with highly similar properties. This amino acid position is conserved. In addition, this alteration is predicted to be tolerated by in silico analysis. Based on the available evidence, the clinical significance of this variant remains unclear.

NM_001127208.3(TET2):c.1596G>C (p.Leu532Phe)

Genes: TET2 (tet methylcytosine dioxygenase 2; plus strand), TET2-AS1 (TET2 antisense RNA 1; minus strand). Cytogenetic location: 4q24.
Variant type: single nucleotide variant.
Coding change: c.1596G>C on transcript NM_001127208.3 (MANE Select); coding-DNA position 1596, G replaced by C.
Protein change: p.Leu532Phe; replaces leucine 532 with phenylalanine.
Molecular consequence: missense variant.
Genome position (GRCh38, 1-based): chr4:105,235,538, G>C. VCF-style: chr4-105235538-G-C. GRCh37 (hg19) VCF-style: chr4-106156695-G-C.
Other names: c.1596G>C, p.Leu532Phe (NM_017628.4); short protein forms L532F.
Identifiers: ClinVar variation 4594115 (VCV004594115.1).